The following is an entry in ClinVar:

NM_001709.5(BDNF):c.223C>G (p.Gln75Glu)

Genes: BDNF (brain derived neurotrophic factor; minus strand), BDNF-AS (BDNF antisense RNA; plus strand). Cytogenetic location: 11p14.1.
Variant type: single nucleotide variant.
Coding change: c.223C>G on transcript NM_001709.5 (MANE Select); coding-DNA position 223, C replaced by G.
Protein change: p.Gln75Glu; replaces glutamine 75 with glutamic acid.
Molecular consequence: missense variant. On other transcripts: non-coding transcript variant (5).
Genome position (GRCh38, 1-based): chr11:27,658,342, G>C on the plus strand (C>G on the coding strand, the complement: BDNF is on the minus strand). VCF-style: chr11-27658342-G-C. GRCh37 (hg19) VCF-style: chr11-27679889-G-C.
Other names: c.469C>G (NM_001143810.1); c.223C>G, p.Gln75Glu (NM_001143805.1, NM_001143806.1, NM_001143807.2 and 9 more transcripts); c.310C>G, p.Gln104Glu (NM_001143809.2); c.469C>G, p.Gln157Glu (NM_001143810.2); c.247C>G, p.Gln83Glu (NM_170731.5); c.268C>G, p.Gln90Glu (NM_170734.4); short protein forms Q157E, Q90E, Q104E, Q75E, Q83E.
Identifiers: ClinVar variation 2411940 (VCV002411940.6), dbSNP rs139352447, ClinGen allele CA5929122.

ClinVar aggregate classification (germline): Conflicting classifications of pathogenicity. Review status: criteria provided, conflicting classifications (1 of 4 stars). 2 submissions from 2 submitters: Uncertain significance (1); Likely benign (1). Last evaluated 2025-07-30.

Conditions:
BDNF-related disorder. Also called: BDNF-related condition.
Inborn genetic diseases. Identifiers: MedGen C0950123, MeSH D030342.

Allele frequency attached by ClinVar (database versions not stated): ExAC 0.00007; ESP Exome Variant Server 0.00008; gnomAD 0.00012; TOPMed 0.00012; gnomAD exomes 0.00022.
gnomAD v4.1: 336 of 1,614,012 alleles (0.021%); highest among the groups gnomAD compares: Non-Finnish European, 0.027%; no homozygotes.

Submissions (2):

PreventionGenetics, part of Exact Sciences
Classification: Uncertain significance for BDNF-related condition. Last evaluated: 2025-07-30. Review status: criteria provided, single submitter. Criteria: ACMG Guidelines, 2015. Collection method: clinical testing. Allele origin: germline.
Comment: The BDNF c.469C>G variant is predicted to result in the amino acid substitution p.Gln157Glu. To our knowledge, this variant has not been reported in the literature. This variant is reported in 0.022% of alleles in individuals of European (non-Finnish) descent in gnomAD. At this time, the clinical significance of this variant is uncertain due to the absence of conclusive functional and genetic evidence.

Ambry Genetics
Classification: Likely benign for Inborn genetic diseases. Last evaluated: 2022-06-17. Review status: criteria provided, single submitter. Criteria: Ambry Variant Classification Scheme 2023. Collection method: clinical testing. Allele origin: germline.